The following is an entry in ClinVar:

ClinVar aggregate classification (germline): Uncertain significance (0 of 4 stars; one submission).

Conditions:
PLXNA4-related disorder. Also called: PLXNA4-related condition.

gnomAD v4.1: 14 of 1,613,894 alleles (0.00087%); highest among the groups gnomAD compares: Admixed American, 0.0017%; no homozygotes.

Submission:

PreventionGenetics, part of Exact Sciences
Classification: Uncertain significance for PLXNA4-related condition. Last evaluated: 2024-02-23. Review status: no assertion criteria provided. Collection method: clinical testing. Allele origin: germline.
Comment: The PLXNA4 c.4660+5G>A variant is predicted to interfere with splicing. To our knowledge, this variant has not been reported in the literature. This variant is reported in 0.00088% of alleles in individuals of European (Non-Finnish) descent in gnomAD. At this time, the clinical significance of this variant is uncertain due to the absence of conclusive functional and genetic evidence.

NM_020911.2(PLXNA4):c.4660+5G>A

Gene: PLXNA4 (plexin A4; minus strand). Cytogenetic location: 7q32.3.
Variant type: single nucleotide variant.
Coding change: c.4660+5G>A on transcript NM_020911.2 (MANE Select); 5 bases into the intron after coding-DNA position 4660, G replaced by A.
Molecular consequence: intron variant.
Genome position (GRCh38, 1-based): chr7:132,159,468, C>T on the plus strand (G>A on the coding strand, the complement: PLXNA4 is on the minus strand). VCF-style: chr7-132159468-C-T. GRCh37 (hg19) VCF-style: chr7-131844227-C-T.
Other names: c.4660+5G>A (NM_001393897.1).
Identifiers: ClinVar variation 3356449 (VCV003356449.1).